The following is an entry in ClinVar:

ClinVar aggregate classification (germline): Uncertain significance (1 of 4 stars; one submission).

Conditions:
Vici syndrome (VICIS). Identifiers: Orphanet 1493, MedGen C1855772, MONDO:0009452, OMIM 242840.

Submission:

Department of Molecular Genetics, Istishari Arab Hospital
Classification: Uncertain significance for Vici syndrome. Last evaluated: 2026-01-29. Review status: criteria provided, single submitter. Criteria: ACMG Guidelines, 2015. Collection method: clinical testing. Allele origin: germline. Inheritance: Autosomal recessive inheritance. Affected: yes.
Comment: The EPG5 variant c.7010-9T>A is predicted to affect the canonical splice site and is predicted to disrupt normal protein function. The variant is not observed in the gnomAD v4.1.0 dataset and was not previously reported in the literature. It is classified as a variant of uncertain significance based on ACMG/AMP/ClinGen SVI guidelines.

NM_020964.3(EPG5):c.7010-9T>A

Gene: EPG5 (ectopic P-granules 5 autophagy tethering factor; minus strand). Cytogenetic location: 18q12.3.
Variant type: single nucleotide variant.
Coding change: c.7010-9T>A on transcript NM_020964.3 (MANE Select); 9 bases into the intron before coding-DNA position 7010, T replaced by A.
Molecular consequence: intron variant.
Genome position (GRCh38, 1-based): chr18:45,858,791, A>T on the plus strand (T>A on the coding strand, the complement: EPG5 is on the minus strand). VCF-style: chr18-45858791-A-T. GRCh37 (hg19) VCF-style: chr18-43438756-A-T.
Other names: c.7010-9T>A (NM_001410858.1); c.7007-9T>A (NM_001410859.1).
Identifiers: ClinVar variation 4688027 (VCV004688027.1).